The following is an entry in ClinVar:

ClinVar aggregate classification (germline): Uncertain significance (1 of 4 stars; one submission).

gnomAD v4.1: 27 of 1,612,472 alleles (0.0017%); highest among the groups gnomAD compares: Middle Eastern, 0.016%; no homozygotes.

Submission:

Labcorp Genetics (formerly Invitae), Labcorp
Classification: Uncertain significance. Last evaluated: 2025-09-19. Review status: criteria provided, single submitter. Criteria: Invitae Variant Classification Sherloc (09022015). Collection method: clinical testing. Allele origin: germline.
Comment: This sequence change replaces aspartic acid, which is acidic and polar, with glycine, which is neutral and non-polar, at codon 38 of the DCDC1 protein (p.Asp38Gly). This variant is present in population databases (rs780898890, gnomAD 0.004%). This variant has not been reported in the literature in individuals affected with DCDC1-related conditions. An algorithm developed to predict the effect of missense changes on protein structure and function outputs the following: PolyPhen-2: "Benign". The glycine amino acid residue is found in multiple mammalian species, which suggests that this missense change does not adversely affect protein function. In summary, the available evidence is currently insufficient to determine the role of this variant in disease. Therefore, it has been classified as a Variant of Uncertain Significance.

NM_001387274.1(DCDC1):c.113A>G (p.Asp38Gly)

Gene: DCDC1 (doublecortin domain containing 1; minus strand). Cytogenetic location: 11p13.
Variant type: single nucleotide variant.
Coding change: c.113A>G on transcript NM_001387274.1 (MANE Select); coding-DNA position 113, A replaced by G.
Protein change: p.Asp38Gly; replaces aspartic acid 38 with glycine.
Molecular consequence: missense variant. On other transcripts: non-coding transcript variant (1).
Genome position (GRCh38, 1-based): chr11:31,328,168, T>C on the plus strand (A>G on the coding strand, the complement: DCDC1 is on the minus strand). VCF-style: chr11-31328168-T-C. GRCh37 (hg19) VCF-style: chr11-31349715-T-C.
Other names: c.113A>G, p.Asp38Gly (NM_001367979.1, NM_181807.4); short protein forms D38G.
Identifiers: ClinVar variation 4740956 (VCV004740956.1).
Genomic context (GRCh38, chr11:31,328,168, plus strand): 5'-TGTTCTTACCTTGGTAAATCATTCAAAATATATTTGTAAATTGGGTTTACAGTATTCCCA[T>C]CCAAAGTGCCTTCAGGGCTACTTTGCTGTAATACTTCCATTGCTTCAGTCAAGAGGGATA-3'
Protein context (NP_001374203.1, residues 28-48): LQQSSPEGTL[Asp38Gly]GNTVNPIYKY